The following is an entry in ClinVar:

ClinVar aggregate classification (germline): Uncertain significance (1 of 4 stars; one submission).

Conditions:
Mucopolysaccharidosis, MPS-III-B (MPS3B). Also called: N-ACETYL-ALPHA-D-GLUCOSAMINIDASE DEFICIENCY; NAGLU DEFICIENCY; SANFILIPPO SYNDROME B; MPS III B; Mucopolysaccharidosis type IIIB (Sanfilippo B); MPS IIIB (Sanfilippo Syndrome Type B). Identifiers: Orphanet 79270, MedGen C0086648, MONDO:0009656, OMIM 252920.
Charcot-Marie-Tooth disease axonal type 2V. Also called: CHARCOT-MARIE-TOOTH NEUROPATHY, TYPE 2V; CHARCOT-MARIE-TOOTH DISEASE, AXONAL, AUTOSOMAL DOMINANT, TYPE 2V. Identifiers: Orphanet 447964, MedGen C5569050, MONDO:0014665, OMIM 616491.

gnomAD v4.1: 2 of 1,230,510 alleles (0.00016%); highest among the groups gnomAD compares: Non-Finnish European, 0.0002%; no homozygotes.

Submission:

Labcorp Genetics (formerly Invitae), Labcorp
Classification: Uncertain significance for Charcot-Marie-Tooth disease axonal type 2V; Mucopolysaccharidosis, MPS-III-B. Last evaluated: 2024-03-27. Review status: criteria provided, single submitter. Criteria: Invitae Variant Classification Sherloc (09022015). Collection method: clinical testing. Allele origin: germline.
Comment: This sequence change replaces valine, which is neutral and non-polar, with methionine, which is neutral and non-polar, at codon 75 of the NAGLU protein (p.Val75Met). This variant is not present in population databases (gnomAD no frequency). This variant has not been reported in the literature in individuals affected with NAGLU-related conditions. ClinVar contains an entry for this variant (Variation ID: 1941434). Advanced modeling of protein sequence and biophysical properties (such as structural, functional, and spatial information, amino acid conservation, physicochemical variation, residue mobility, and thermodynamic stability) has been performed at Invitae for this missense variant, however the output from this modeling did not meet the statistical confidence thresholds required to predict the impact of this variant on NAGLU protein function. In summary, the available evidence is currently insufficient to determine the role of this variant in disease. Therefore, it has been classified as a Variant of Uncertain Significance.

NM_000263.4(NAGLU):c.223G>A (p.Val75Met)

Genes: NAGLU (N-acetyl-alpha-glucosaminidase; plus strand), LOC130060903 (ATAC-STARR-seq lymphoblastoid silent region 8533; plus strand). Cytogenetic location: 17q21.2.
Variant type: single nucleotide variant.
Coding change: c.223G>A on transcript NM_000263.4 (MANE Select); coding-DNA position 223, G replaced by A.
Protein change: p.Val75Met; replaces valine 75 with methionine.
Molecular consequence: missense variant.
Genome position (GRCh38, 1-based): chr17:42,536,495, G>A. VCF-style: chr17-42536495-G-A. GRCh37 (hg19) VCF-style: chr17-40688513-G-A.
Other names: short protein forms V75M.
Identifiers: ClinVar variation 1941434 (VCV001941434.4), dbSNP rs1460838744, ClinGen allele CA399595706.